The following is an entry in ClinVar:

ClinVar aggregate classification (germline): Uncertain significance (1 of 4 stars; one submission).

Conditions:
KIDINS220-related disorder. Also called: KIDINS220-related condition.

gnomAD v4.1: 37 of 1,613,940 alleles (0.0023%); highest among the groups gnomAD compares: Non-Finnish European, 0.0031%; no homozygotes.

Submission:

PreventionGenetics, part of Exact Sciences
Classification: Uncertain significance for KIDINS220-related condition. Last evaluated: 2026-08-21. Review status: criteria provided, single submitter. Criteria: ACMG Guidelines, 2015. Collection method: clinical testing. Allele origin: germline.
Comment: The KIDINS220 c.2539C>G variant is predicted to result in the amino acid substitution p.Arg847Gly. To our knowledge, this variant has not been reported in the literature. This variant is reported in 0.00088% of alleles in individuals of European (Non-Finnish) descent in gnomAD. At this time, the clinical significance of this variant is uncertain due to the absence of conclusive functional and genetic evidence.

NM_020738.4(KIDINS220):c.2539C>G (p.Arg847Gly)

Gene: KIDINS220 (kinase D interacting substrate 220; minus strand). Cytogenetic location: 2p25.1.
Variant type: single nucleotide variant.
Coding change: c.2539C>G on transcript NM_020738.4 (MANE Select); coding-DNA position 2539, C replaced by G.
Protein change: p.Arg847Gly; replaces arginine 847 with glycine.
Molecular consequence: missense variant. On other transcripts: non-coding transcript variant (2).
Genome position (GRCh38, 1-based): chr2:8,778,971, G>C on the plus strand (C>G on the coding strand, the complement: KIDINS220 is on the minus strand). VCF-style: chr2-8778971-G-C. GRCh37 (hg19) VCF-style: chr2-8919101-G-C.
Other names: c.2542C>G, p.Arg848Gly (NM_001348729.2, NM_001348731.2, NM_001348734.2 and 3 more transcripts); c.2539C>G, p.Arg847Gly (NM_001348732.2, NM_001348735.2, NM_001348738.2 and 3 more transcripts); c.2413C>G, p.Arg805Gly (NM_001348736.2); short protein forms R848G, R805G, R847G.
Identifiers: ClinVar variation 4983040 (VCV004983040.1).